The following is an entry in ClinVar:

NM_001286.5(CLCN6):c.883C>T (p.Arg295Cys)

Gene: CLCN6 (chloride voltage-gated channel 6; plus strand). Cytogenetic location: 1p36.22.
Variant type: single nucleotide variant.
Coding change: c.883C>T on transcript NM_001286.5 (MANE Select); coding-DNA position 883, C replaced by T.
Protein change: p.Arg295Cys; replaces arginine 295 with cysteine.
Molecular consequence: missense variant. On other transcripts: non-coding transcript variant (1).
Genome position (GRCh38, 1-based): chr1:11,828,148, C>T. VCF-style: chr1-11828148-C-T. GRCh37 (hg19) VCF-style: chr1-11888205-C-T.
Other names: c.817C>T, p.Arg273Cys (NM_001256959.2); short protein forms R273C, R295C.
Identifiers: ClinVar variation 1406628 (VCV001406628.8), dbSNP rs368875103, ClinGen allele CA596277.

ClinVar aggregate classification (germline): Uncertain significance. Review status: criteria provided, multiple submitters, no conflicts (2 of 4 stars). 2 submissions from 2 submitters: Uncertain significance (2). Last evaluated 2025-08-31.

Allele frequency attached by ClinVar (database versions not stated): gnomAD exomes 0.00004 and 0.00006; ExAC 0.00005; ESP Exome Variant Server 0.00008; gnomAD 0.00008; TOPMed 0.00010.

Submissions (2):

Labcorp Genetics (formerly Invitae), Labcorp
Classification: Uncertain significance. Last evaluated: 2025-08-31. Review status: criteria provided, single submitter. Criteria: Invitae Variant Classification Sherloc (09022015). Collection method: clinical testing. Allele origin: germline.
Comment: This sequence change replaces arginine, which is basic and polar, with cysteine, which is neutral and slightly polar, at codon 295 of the CLCN6 protein (p.Arg295Cys). This variant is present in population databases (rs368875103, gnomAD 0.02%). This variant has not been reported in the literature in individuals affected with CLCN6-related conditions. ClinVar contains an entry for this variant (Variation ID: 1406628). An algorithm developed to predict the effect of missense changes on protein structure and function (PolyPhen-2) suggests that this variant is likely to be disruptive. In summary, the available evidence is currently insufficient to determine the role of this variant in disease. Therefore, it has been classified as a Variant of Uncertain Significance.

Women's Health and Genetics/Laboratory Corporation of America, LabCorp
Classification: Uncertain significance. Last evaluated: 2024-11-29. Review status: criteria provided, single submitter. Criteria: LabCorp Variant Classification Summary - May 2015. Collection method: clinical testing. Allele origin: germline.
Comment: Variant summary: CLCN6 c.883C>T (p.Arg295Cys) results in a non-conservative amino acid change located in the Clc chloride channel domain of the encoded protein sequence. Five of five in-silico tools predict a damaging effect of the variant on protein function. The variant allele was found at a frequency of 5.6e-05 in 251488 control chromosomes. This frequency is not significantly higher than estimated for a pathogenic variant in CLCN6 causing Neurodegeneration, Childhood-Onset, With Hypotonia, Respiratory Insufficiency, And Brain Imaging Abnormalities, allowing no conclusion about variant significance. To our knowledge, no occurrence of c.883C>T in individuals affected with Neurodegeneration, Childhood-Onset, With Hypotonia, Respiratory Insufficiency, And Brain Imaging Abnormalities and no experimental evidence demonstrating its impact on protein function have been reported. ClinVar contains an entry for this variant (Variation ID: 1406628). Based on the evidence outlined above, the variant was classified as uncertain significance.